The following is an entry in ClinVar:

NM_001379500.1(COL18A1):c.3188G>A (p.Arg1063His)

Genes: COL18A1 (collagen type XVIII alpha 1 chain; plus strand), SLC19A1 (solute carrier family 19 member 1; minus strand). Cytogenetic location: 21q22.3.
Variant type: single nucleotide variant.
Coding change: c.3188G>A on transcript NM_001379500.1 (MANE Select); coding-DNA position 3188, G replaced by A.
Protein change: p.Arg1063His; replaces arginine 1063 with histidine.
Molecular consequence: missense variant.
Genome position (GRCh38, 1-based): chr21:45,505,938, G>A. VCF-style: chr21-45505938-G-A. GRCh37 (hg19) VCF-style: chr21-46925852-G-A.
Other names: c.3719G>A, p.Arg1240His (NM_030582.4); c.4424G>A, p.Arg1475His (NM_130444.3); short protein forms R1063H, R1240H, R1475H.
Identifiers: ClinVar variation 1468318 (VCV001468318.4), dbSNP rs781308033, ClinGen allele CA10067741.
Genomic context (GRCh38, chr21:45,505,938, plus strand): 5'-TGCACGAGGTTCCCGAGGGCTGGCTCATCTTCGTGGCCGAGCAGGAGGAGCTCTACGTCC[G>A]CGTGCAGAACGGGTTCCGGAAGGTCCAGGTGAGCGCTCTGTGTGACGGGTTCTGGACCCG-3'
Protein context (NP_001366429.1, residues 1053-1073): FVAEQEELYV[Arg1063His]VQNGFRKVQL

ClinVar aggregate classification (germline): Uncertain significance. Review status: criteria provided, multiple submitters, no conflicts (2 of 4 stars). 2 submissions from 2 submitters: Uncertain significance (2). Last evaluated 2023-12-20.

Allele frequency attached by ClinVar (database versions not stated): gnomAD 0.00001.
gnomAD v4.1: 37 of 1,613,118 alleles (0.0023%); highest among the groups gnomAD compares: East Asian, 0.013%; no homozygotes.

Submissions (2):

Blueprint Genetics
Classification: Uncertain significance. Last evaluated: 2023-12-20. Review status: criteria provided, single submitter. Criteria: ACMG Guidelines, 2015. Collection method: clinical testing. Allele origin: germline.

Labcorp Genetics (formerly Invitae), Labcorp
Classification: Uncertain significance. Last evaluated: 2022-07-12. Review status: criteria provided, single submitter. Criteria: Invitae Variant Classification Sherloc (09022015). Collection method: clinical testing. Allele origin: germline.
Comment: This sequence change replaces arginine, which is basic and polar, with histidine, which is basic and polar, at codon 1060 of the COL18A1 protein (p.Arg1060His). This variant is present in population databases (rs781308033, gnomAD 0.02%). This variant has not been reported in the literature in individuals affected with COL18A1-related conditions. ClinVar contains an entry for this variant (Variation ID: 1468318). Experimental studies and prediction algorithms are not available or were not evaluated, and the functional significance of this variant is currently unknown. In summary, the available evidence is currently insufficient to determine the role of this variant in disease. Therefore, it has been classified as a Variant of Uncertain Significance.